The following is an entry in ClinVar:

NM_001845.6(COL4A1):c.2560A>G (p.Thr854Ala)

Gene: COL4A1 (collagen type IV alpha 1 chain; minus strand). Cytogenetic location: 13q34.
Variant type: single nucleotide variant.
Coding change: c.2560A>G on transcript NM_001845.6 (MANE Select); coding-DNA position 2560, A replaced by G.
Protein change: p.Thr854Ala; replaces threonine 854 with alanine.
Molecular consequence: missense variant.
Genome position (GRCh38, 1-based): chr13:110,178,130, T>C on the plus strand (A>G on the coding strand, the complement: COL4A1 is on the minus strand). VCF-style: chr13-110178130-T-C. GRCh37 (hg19) VCF-style: chr13-110830477-T-C.
Other names: c.2560A>G (NM_001845.4); short protein forms T854A.
Identifiers: ClinVar variation 1425674 (VCV001425674.12), dbSNP rs756949024, ClinGen allele CA7047555.

ClinVar aggregate classification (germline): Conflicting classifications of pathogenicity. Review status: criteria provided, conflicting classifications (1 of 4 stars). 4 submissions from 4 submitters: Uncertain significance (3); Likely benign (1). Last evaluated 2025-10-28.

Conditions:
Inborn genetic diseases. Identifiers: MedGen C0950123, MeSH D030342.

Allele frequency attached by ClinVar (database versions not stated): ExAC 0.00001; gnomAD exomes 0.00001 and 0.00004; TOPMed 0.00009; gnomAD 0.00011 and 0.00012.
gnomAD v4.1: 34 of 1,614,074 alleles (0.0021%); highest among the groups gnomAD compares: Admixed American, 0.053%; no homozygotes.

Submissions (4):

Labcorp Genetics (formerly Invitae), Labcorp
Classification: Uncertain significance. Last evaluated: 2025-10-28. Review status: criteria provided, single submitter. Criteria: Invitae Variant Classification Sherloc (09022015). Collection method: clinical testing. Allele origin: germline.
Comment: This sequence change replaces threonine, which is neutral and polar, with alanine, which is neutral and non-polar, at codon 854 of the COL4A1 protein (p.Thr854Ala). This variant is present in population databases (rs756949024, gnomAD 0.03%). This variant has not been reported in the literature in individuals affected with COL4A1-related conditions. ClinVar contains an entry for this variant (Variation ID: 1425674). Invitae Evidence Modeling of protein sequence and biophysical properties (such as structural, functional, and spatial information, amino acid conservation, physicochemical variation, residue mobility, and thermodynamic stability) indicates that this missense variant is not expected to disrupt COL4A1 protein function with a negative predictive value of 95%. In summary, the available evidence is currently insufficient to determine the role of this variant in disease. Therefore, it has been classified as a Variant of Uncertain Significance.

Ambry Genetics
Classification: Likely benign for Inborn genetic diseases. Last evaluated: 2024-08-20. Review status: criteria provided, single submitter. Criteria: Ambry Variant Classification Scheme 2023. Collection method: clinical testing. Allele origin: germline.

GeneDx
Classification: Uncertain significance. Last evaluated: 2024-01-08. Review status: criteria provided, single submitter. Criteria: GeneDx Variant Classification Process June 2021. Collection method: clinical testing. Allele origin: germline. Affected: yes.
Comment: Has not been previously published as pathogenic or benign to our knowledge; In silico analysis supports that this missense variant does not alter protein structure/function; Occurs in the triple helical domain at the Y position in the canonical Gly-X-Y repeat; although this variant may have an effect on normal protein folding and function, missense substitution at the Y position is not a common mechanism of disease

Revvity Omics, Revvity
Classification: Uncertain significance. Last evaluated: 2023-03-26. Review status: criteria provided, single submitter. Criteria: ACMG Guidelines, 2015. Collection method: clinical testing. Allele origin: germline.